The following is an entry in ClinVar:

ClinVar aggregate classification (germline): Uncertain significance. Review status: criteria provided, multiple submitters, no conflicts (2 of 4 stars). 2 submissions from 2 submitters: Uncertain significance (2). Last evaluated 2025-02-12.

Conditions:
Inborn genetic diseases. Identifiers: MedGen C0950123, MeSH D030342.

Submissions (2):

Ambry Genetics
Classification: Uncertain significance for Inborn genetic diseases. Last evaluated: 2025-02-12. Review status: criteria provided, single submitter. Criteria: Ambry Variant Classification Scheme 2023. Collection method: clinical testing. Allele origin: germline.

GeneDx
Classification: Uncertain significance. Last evaluated: 2024-07-09. Review status: criteria provided, single submitter. Criteria: GeneDx Variant Classification Process June 2021. Collection method: clinical testing. Allele origin: germline. Affected: yes.
Comment: Not observed at significant frequency in large population cohorts (gnomAD); In silico analysis indicates that this missense variant does not alter protein structure/function; Has not been previously published as pathogenic or benign to our knowledge

NM_005144.5(HR):c.1369A>G (p.Lys457Glu)

Gene: HR (HR lysine demethylase and nuclear receptor corepressor; minus strand). Cytogenetic location: 8p21.3.
Variant type: single nucleotide variant.
Coding change: c.1369A>G on transcript NM_005144.5 (MANE Select); coding-DNA position 1369, A replaced by G.
Protein change: p.Lys457Glu; replaces lysine 457 with glutamic acid.
Molecular consequence: missense variant.
Genome position (GRCh38, 1-based): chr8:22,127,073, T>C on the plus strand (A>G on the coding strand, the complement: HR is on the minus strand). VCF-style: chr8-22127073-T-C. GRCh37 (hg19) VCF-style: chr8-21984586-T-C.
Other names: c.1369A>G, p.Lys457Glu (NM_018411.4); short protein forms K457E.
Identifiers: ClinVar variation 3572633 (VCV003572633.2).
Genomic context (GRCh38, chr8:22,127,073, plus strand): 5'-TGCAGCCCCTCCTGGCCCCCTTACCTTTCTGCTCATCATGCTGTCCCGAGTCCACATCCT[T>C]GTTCCCTATCGATGTGTCCCGCACCTCCTGCCAACCCCCAGCCCCCTGTTCTGCAGTGCC-3'
Protein context (NP_005135.2, residues 447-467): QEVRDTSIGN[Lys457Glu]DVDSGQHDEQ